The following is an entry in ClinVar:

ClinVar aggregate classification (germline): Benign (1 of 4 stars; one submission).

Conditions:
Autosomal dominant pseudohypoaldosteronism type 1. Also called: Pseudohypoaldosteronism, Type I, Autosomal Dominant; PHA I, AUTOSOMAL DOMINANT; Pseudohypoaldosteronism, Type I, Dominant. Identifiers: Orphanet 171871, Orphanet 756, MedGen C1449842, MONDO:0008329, OMIM 177735.

Allele frequency attached by ClinVar (database versions not stated): TOPMed 0.00029; 1000 Genomes Project 30x 0.00265; 1000 Genomes Project 0.00339; gnomAD 0.00443 and 0.00446.

Submission:

Illumina Laboratory Services, Illumina
Classification: Benign for Autosomal dominant pseudohypoaldosteronism type 1. Last evaluated: 2018-01-13. Review status: criteria provided, single submitter. Criteria: ICSL Variant Classification Criteria 13 December 2019. Collection method: clinical testing. Allele origin: germline.
Comment: This variant was observed in the ICSL laboratory as part of a predisposition screen in an ostensibly healthy population. It had not been previously curated by ICSL or reported in the Human Gene Mutation Database (HGMD: prior to June 1st, 2018), and was therefore a candidate for classification through an automated scoring system. Utilizing variant allele frequency, disease prevalence and penetrance estimates, and inheritance mode, an automated score was calculated to assess if this variant is too frequent to cause the disease. Based on the score and internal cut-off values, a variant classified as benign is not then subjected to further curation. The score for this variant resulted in a classification of benign for this disease.

NM_000901.5(NR3C2):c.*1209G>A

Gene: NR3C2 (nuclear receptor subfamily 3 group C member 2; minus strand). Cytogenetic location: 4q31.23.
Variant type: single nucleotide variant.
Coding change: c.*1209G>A on transcript NM_000901.5 (MANE Select); 1209 bases downstream of the stop codon, G replaced by A.
Molecular consequence: 3 prime UTR variant. On other transcripts: non-coding transcript variant (1).
Genome position (GRCh38, 1-based): chr4:148,080,135, C>T on the plus strand (G>A on the coding strand, the complement: NR3C2 is on the minus strand). VCF-style: chr4-148080135-C-T. GRCh37 (hg19) VCF-style: chr4-149001286-C-T.
Other names: c.*1209G>A (NM_001166104.2, NM_001354819.1).
Identifiers: ClinVar variation 347700 (VCV000347700.5), dbSNP rs118144639, ClinGen allele CA10620217.